The following is an entry in ClinVar:

ClinVar aggregate classification (germline): Likely benign (0 of 4 stars; one submission).

Conditions:
HLA-B-related disorder. Also called: HLA-B-related condition.

Allele frequency attached by ClinVar (database versions not stated): ESP Exome Variant Server 0.10713; 1000 Genomes Project 30x 0.12180; 1000 Genomes Project 0.15835.

Submission:

PreventionGenetics, part of Exact Sciences
Classification: Likely benign for HLA-B-related condition. Last evaluated: 2020-12-17. Review status: no assertion criteria provided. Collection method: clinical testing. Allele origin: germline.
Comment: This variant is classified as likely benign based on ACMG/AMP sequence variant interpretation guidelines (Richards et al. 2015 PMID: 25741868, with internal and published modifications).

NM_005514.8(HLA-B):c.97T>C (p.Tyr33His)

Gene: HLA-B (major histocompatibility complex, class I, B; minus strand). Cytogenetic location: 6p21.33.
Variant type: single nucleotide variant.
Coding change: c.97T>C on transcript NM_005514.8 (MANE Select); coding-DNA position 97, T replaced by C.
Protein change: p.Tyr33His; replaces tyrosine 33 with histidine.
Molecular consequence: missense variant.
Genome position (GRCh38, 1-based): chr6:31,356,934, A>G on the plus strand (T>C on the coding strand, the complement: HLA-B is on the minus strand). VCF-style: chr6-31356934-A-G. GRCh37 (hg19) VCF-style: chr6-31324711-A-G.
Other names: short protein forms Y33H.
Identifiers: ClinVar variation 3059738 (VCV003059738.2), dbSNP rs2596492, ClinGen allele CA3711895.